The following is an entry in ClinVar:

NM_002470.4(MYH3):c.2621T>C (p.Leu874Pro)

Gene: MYH3 (myosin heavy chain 3; minus strand). Cytogenetic location: 17p13.1.
Variant type: single nucleotide variant.
Coding change: c.2621T>C on transcript NM_002470.4 (MANE Select); coding-DNA position 2621, T replaced by C.
Protein change: p.Leu874Pro; replaces leucine 874 with proline.
Molecular consequence: missense variant.
Genome position (GRCh38, 1-based): chr17:10,640,057, A>G on the plus strand (T>C on the coding strand, the complement: MYH3 is on the minus strand). VCF-style: chr17-10640057-A-G. GRCh37 (hg19) VCF-style: chr17-10543374-A-G.
Other names: short protein forms L874P.
Identifiers: ClinVar variation 418357 (VCV000418357.2), dbSNP rs1064793203, ClinGen allele CA16620327.
Genomic context (GRCh38, chr17:10,640,057, plus strand): 5'-GCTTGTACTTGGAGCTGCAGGTCATTCTTCTCTTGGACCAGAGTCACCAGTTTTTCCTCT[A>G]GCTCCTTCCTTTTTGCCTCCGACTTGGCGAGTTCATCTTTGGTTTTCTGGAATTCTTCCT-3'
Protein context (NP_002461.2, residues 864-884): LAKSEAKRKE[Leu874Pro]EEKLVTLVQE

ClinVar aggregate classification (germline): Likely pathogenic (1 of 4 stars; one submission).

Submission:

GeneDx
Classification: Likely pathogenic. Last evaluated: 2015-08-18. Review status: criteria provided, single submitter. Criteria: GeneDx Variant Classification (06012015). Collection method: clinical testing. Allele origin: germline. Affected: yes.
Comment: The L874P variant in the MYH3 gene has not been published as a pathogenic variant, nor has it been reported as a benign polymorphism to our knowledge. The L874P variant was not observed in approximately 6,500 individuals of European and African American ancestry in the NHLBI Exome Sequencing Project, indicating it is not a common benign variant in these populations. The L874P variant is a semi-conservative amino acid substitution, which may impact secondary protein structure as these residues differ in some properties. This substitution occurs at a position where amino acids with similar properties to Leucine are tolerated across species. In silico analysis predicts this variant is probably damaging to the protein structure/function. We interpret L874P as a strong candidate for a disease-causing variant; however, the possibility it may be a rare benign variant cannot be excluded.